The following is an entry in ClinVar:

ClinVar aggregate classification (germline): Likely benign. Review status: criteria provided, multiple submitters, no conflicts (2 of 4 stars). 2 submissions from 2 submitters: Likely benign (2). Last evaluated 2024-10-20.

Conditions:
Left-right axis malformations. Identifiers: MedGen C1866091.

Allele frequency attached by ClinVar (database versions not stated): gnomAD 0.00003; TOPMed 0.00003; ExAC 0.00007; ESP Exome Variant Server 0.00008; 1000 Genomes Project 0.00020; 1000 Genomes Project 30x 0.00031.
gnomAD v4.1: 166 of 1,611,468 alleles (0.01%); highest among the groups gnomAD compares: Non-Finnish European, 0.013%; no homozygotes.

Submissions (2):

Ambry Genetics
Classification: Likely benign. Last evaluated: 2024-10-20. Review status: criteria provided, single submitter. Criteria: Ambry Variant Classification Scheme 2023. Collection method: clinical testing. Allele origin: germline.

Illumina Laboratory Services, Illumina
Classification: Likely benign for Left-right axis malformations. Last evaluated: 2018-01-13. Review status: criteria provided, single submitter. Criteria: ICSL Variant Classification Criteria 13 December 2019. Collection method: clinical testing. Allele origin: germline.
Comment: This variant was observed in the ICSL laboratory as part of a predisposition screen in an ostensibly healthy population. It had not been previously curated by ICSL or reported in the Human Gene Mutation Database (HGMD: prior to June 1st, 2018), and was therefore a candidate for classification through an automated scoring system. Utilizing variant allele frequency, disease prevalence and penetrance estimates, and inheritance mode, an automated score was calculated to assess if this variant is too frequent to cause the disease. Based on the score and internal cut-off values, a variant classified as likely benign is not then subjected to further curation. The score for this variant resulted in a classification of likely benign for this disease.

NM_003240.5(LEFTY2):c.748G>A (p.Asp250Asn)

Gene: LEFTY2 (left-right determination factor 2; minus strand). Cytogenetic location: 1q42.12.
Variant type: single nucleotide variant.
Coding change: c.748G>A on transcript NM_003240.5 (MANE Select); coding-DNA position 748, G replaced by A.
Protein change: p.Asp250Asn; replaces aspartic acid 250 with asparagine.
Molecular consequence: missense variant.
Genome position (GRCh38, 1-based): chr1:225,937,794, C>T on the plus strand (G>A on the coding strand, the complement: LEFTY2 is on the minus strand). VCF-style: chr1-225937794-C-T. GRCh37 (hg19) VCF-style: chr1-226125494-C-T.
Other names: c.646G>A, p.Asp216Asn (NM_001172425.3); short protein forms D216N, D250N.
Identifiers: ClinVar variation 875252 (VCV000875252.5), dbSNP rs141625209, ClinGen allele CA1420485.